The following is an entry in ClinVar:

NM_015466.4(PTPN23):c.3113_3137dup (p.His1046fs)

Gene: PTPN23 (protein tyrosine phosphatase non-receptor type 23; plus strand). Cytogenetic location: 3p21.31.
Variant type: Duplication.
Coding change: c.3113_3137dup on transcript NM_015466.4 (MANE Select); coding-DNA positions 3113 to 3137, 25 bases duplicated (GCCCTGGGCCCCCTCAGCCTCCCCA).
Protein change: p.His1046fs; shifts the reading frame from histidine 1046.
Molecular consequence: frameshift variant.
Genome position (GRCh38, 1-based): chr3:47,410,911-47,410,935, GCCCTGGGCCCCCTCAGCCTCCCCA duplicated; duplicating any 25 consecutive bases within chr3:47,410,905-47,410,935 gives the same sequence; the c. name uses the placement nearest the transcript's 3' end. VCF-style (leftmost placement, unchanged base first): chr3-47410904-T-TTCCCCAGCCCTGGGCCCCCTCAGCC. GRCh37 (hg19) VCF-style: chr3-47452394-T-TTCCCCAGCCCTGGGCCCCCTCAGCC.
Other names: c.2735_2759dup, p.His920fs (NM_001304482.2); short protein forms H1046fs, H920fs.
Identifiers: ClinVar variation 3653317 (VCV003653317.2).

ClinVar aggregate classification (germline): Pathogenic (1 of 4 stars; one submission).

Submission:

Labcorp Genetics (formerly Invitae), Labcorp
Classification: Pathogenic. Last evaluated: 2024-05-14. Review status: criteria provided, single submitter. Criteria: Invitae Variant Classification Sherloc (09022015). Collection method: clinical testing. Allele origin: germline.
Comment: This sequence change creates a premature translational stop signal (p.His1046Glnfs*44) in the PTPN23 gene. It is expected to result in an absent or disrupted protein product. Loss-of-function variants in PTPN23 are known to be pathogenic (PMID: 29090338, 29899372). This variant is not present in population databases (gnomAD no frequency). This variant has not been reported in the literature in individuals affected with PTPN23-related conditions. For these reasons, this variant has been classified as Pathogenic.

Literature cited by the submitters: PubMed 29090338; PubMed 29899372.